The following is an entry in ClinVar:

NM_025137.4(SPG11):c.4744-6T>C

Gene: SPG11 (SPG11 vesicle trafficking associated, spatacsin; minus strand). Cytogenetic location: 15q21.1.
Variant type: single nucleotide variant.
Coding change: c.4744-6T>C on transcript NM_025137.4 (MANE Select); 6 bases into the intron before coding-DNA position 4744, T replaced by C.
Molecular consequence: intron variant.
Genome position (GRCh38, 1-based): chr15:44,589,420, A>G on the plus strand (T>C on the coding strand, the complement: SPG11 is on the minus strand). VCF-style: chr15-44589420-A-G. GRCh37 (hg19) VCF-style: chr15-44881618-A-G.
Other names: p.?; c.4744-6T>C (NM_001160227.2).
Identifiers: ClinVar variation 282258 (VCV000282258.69), dbSNP rs147550048, ClinGen allele CA7534588.

ClinVar aggregate classification (germline): Conflicting classifications of pathogenicity. Review status: criteria provided, conflicting classifications (1 of 4 stars). 14 submissions from 14 submitters: Uncertain significance (2); Likely benign (9). 3 of the submissions do not count toward it. Last evaluated 2026-07-01.

Conditions:
Inborn genetic diseases. Identifiers: MedGen C0950123, MeSH D030342.
Hereditary spastic paraplegia. Also called: Familial spastic paraparesis. Identifiers: Orphanet 685, MedGen C0037773, MONDO:0019064. Disease mechanism: loss of function.
Hereditary spastic paraplegia 11. Also called: Spastic paraplegia, mental retardation and thin corpus callosum; Nakamura Osame syndrome; Autosomal recessive hereditary spastic paraplegia, mental impairment, and thin corpus callosum; SPASTIC PARAPLEGIA, AUTOSOMAL RECESSIVE, COMPLICATED, WITH THIN CORPUS CALLOSUM; SPASTIC PARAPLEGIA, AUTOSOMAL RECESSIVE, WITH MENTAL IMPAIRMENT AND THIN CORPUS CALLOSUM; Spastic Paraplegia 11. Identifiers: Orphanet 2822, MedGen C1858479, MONDO:0011445, OMIM 604360.

Allele frequency attached by ClinVar (database versions not stated): ESP Exome Variant Server 0.00092; 1000 Genomes Project 0.00100; 1000 Genomes Project 30x 0.00109; gnomAD exomes 0.00123; TOPMed 0.00123; ExAC 0.00134; gnomAD 0.00148 and 0.00153.
gnomAD v4.1: 3,064 of 1,614,030 alleles (0.19%); highest among the groups gnomAD compares: Non-Finnish European, 0.24%; 7 homozygotes.

Submissions (14):

CeGaT Center for Human Genetics Tuebingen
Classification: Likely benign. Last evaluated: 2026-07-01. Review status: criteria provided, single submitter. Criteria: CeGaT Center For Human Genetics Tuebingen Variant Classification Criteria Version 2. Collection method: clinical testing. Allele origin: germline. Affected: yes. Observed: 16 variant alleles.
Comment: SPG11: BP4

Labcorp Genetics (formerly Invitae), Labcorp
Classification: Likely benign for Hereditary spastic paraplegia 11. Last evaluated: 2026-01-28. Review status: criteria provided, single submitter. Criteria: Invitae Variant Classification Sherloc (09022015). Collection method: clinical testing. Allele origin: germline.

Women's Health and Genetics/Laboratory Corporation of America, LabCorp
Classification: Likely benign. Last evaluated: 2025-11-04. Review status: criteria provided, single submitter. Criteria: LabCorp Variant Classification Summary - May 2015. Collection method: clinical testing. Allele origin: germline.

Mayo Clinic Laboratories, Mayo Clinic
Classification: Likely benign. Last evaluated: 2025-06-26. Review status: criteria provided, single submitter. Criteria: ACMG Guidelines, 2015. Collection method: clinical testing. Allele origin: germline. Observed: 10 variant alleles.
Comment: BS1, BP4, BP7

Blueprint Genetics
Classification: Likely benign. Last evaluated: 2024-11-26. Review status: criteria provided, single submitter. Criteria: ACMG Guidelines, 2015. Collection method: clinical testing. Allele origin: germline.

GeneDx
Classification: Likely benign. Last evaluated: 2021-01-08. Review status: criteria provided, single submitter. Criteria: GeneDx Variant Classification Process June 2021. Collection method: clinical testing. Allele origin: germline. Affected: yes.

Genome Diagnostics Laboratory, The Hospital for Sick Children
Classification: Likely benign for Hereditary spastic paraplegia. Last evaluated: 2020-05-01. Review status: criteria provided, single submitter. Criteria: ACMG Guidelines, 2015. Collection method: clinical testing. Allele origin: germline. Affected: yes.

Ambry Genetics
Classification: Likely benign for Inborn genetic diseases. Last evaluated: 2019-10-15. Review status: criteria provided, single submitter. Criteria: Ambry Variant Classification Scheme 2023. Collection method: clinical testing. Allele origin: germline.

Illumina Laboratory Services, Illumina
Classification: Uncertain significance for Hereditary spastic paraplegia 11. Last evaluated: 2018-01-12. Review status: criteria provided, single submitter. Criteria: ICSL Variant Classification Criteria 13 December 2019. Collection method: clinical testing. Allele origin: germline.

Athena Diagnostics
Classification: Likely benign. Last evaluated: 2017-10-24. Review status: criteria provided, single submitter. Criteria: Athena Diagnostics Criteria. Collection method: clinical testing. Allele origin: germline.

Eurofins Ntd Llc (ga)
Classification: Uncertain significance. Last evaluated: 2015-08-13. Review status: criteria provided, single submitter. Criteria: EGL Classification Definitions 2015. Collection method: clinical testing. Allele origin: germline. Observed: 1 variant allele, 1 heterozygote.

Clinical Genetics DNA and cytogenetics Diagnostics Lab, Erasmus MC, Erasmus Medical Center
Classification: Likely benign. Review status: no assertion criteria provided. Collection method: clinical testing. Allele origin: germline. Affected: yes. Study: VKGL Data-share Consensus. Not counted in ClinVar's aggregate classification.

Genome Diagnostics Laboratory, Amsterdam University Medical Center
Classification: Likely benign. Review status: no assertion criteria provided. Collection method: clinical testing. Allele origin: germline. Affected: yes. Study: VKGL Data-share Consensus. Not counted in ClinVar's aggregate classification.

Genome Diagnostics Laboratory, University Medical Center Utrecht
Classification: Likely benign. Review status: no assertion criteria provided. Collection method: clinical testing. Allele origin: germline. Affected: yes. Study: VKGL Data-share Consensus. Not counted in ClinVar's aggregate classification.